The following is an entry in ClinVar:

NM_001042517.2(DIAPH3):c.2241_2243del (p.Arg748del)

Gene: DIAPH3 (diaphanous related formin 3; minus strand). Cytogenetic location: 13q21.2.
Variant type: Deletion.
Coding change: c.2241_2243del on transcript NM_001042517.2 (MANE Select); coding-DNA positions 2241 to 2243, 3 bases deleted (ACG; older notation c.2241_2243delACG).
Protein change: p.Arg748del; deletes arginine 748.
Molecular consequence: inframe deletion.
Genome position (GRCh38, 1-based): chr13:59,916,177-59,916,179, CGT deleted on the plus strand (ACG on the coding strand, the reverse complement: DIAPH3 is on the minus strand). VCF-style (leftmost placement, unchanged base first): chr13-59916176-CCGT-C. GRCh37 (hg19) VCF-style: chr13-60490310-CCGT-C.
Other names: c.2208_2210del, p.Arg737del (NM_001258366.2); c.2103_2105del, p.Arg702del (NM_001258367.2); c.2031_2033del, p.Arg678del (NM_001258368.2); c.2241_2243del, p.Arg748del (NM_001258369.2); c.1452_1454del, p.Arg485del (NM_001258370.2, NM_030932.4); short protein forms R485del, R678del, R702del, R737del, R748del.
Identifiers: ClinVar variation 3623576 (VCV003623576.2).

ClinVar aggregate classification (germline): Uncertain significance (1 of 4 stars; one submission).

Submission:

Labcorp Genetics (formerly Invitae), Labcorp
Classification: Uncertain significance. Last evaluated: 2024-05-25. Review status: criteria provided, single submitter. Criteria: Invitae Variant Classification Sherloc (09022015). Collection method: clinical testing. Allele origin: germline.
Comment: This variant, c.2241_2243del, results in the deletion of 1 amino acid(s) of the DIAPH3 protein (p.Arg748del), but otherwise preserves the integrity of the reading frame. This variant is present in population databases (rs527551917, gnomAD 0.0009%). This variant has not been reported in the literature in individuals affected with DIAPH3-related conditions. Experimental studies and prediction algorithms are not available or were not evaluated, and the functional significance of this variant is currently unknown. In summary, the available evidence is currently insufficient to determine the role of this variant in disease. Therefore, it has been classified as a Variant of Uncertain Significance.